The following continues an entry in ClinVar:

NM_000257.4(MYH7):c.2348G>A (p.Arg783His)

ClinVar aggregate classification (germline): Conflicting classifications of pathogenicity. Pathogenic (2); Likely pathogenic (15); Uncertain significance (3).

Submissions 9 to 18 of 20:

Ambry Genetics
Classification: Likely pathogenic for Cardiovascular phenotype. Last evaluated: 2025-06-30. Review status: criteria provided, single submitter. Criteria: Ambry Variant Classification Scheme 2023. Collection method: clinical testing. Allele origin: germline.
Comment: The p.R783H variant (also known as c.2348G>A), located in coding exon 19 of the MYH7 gene, results from a G to A substitution at nucleotide position 2348. The arginine at codon 783 is replaced by histidine, an amino acid with highly similar properties. This alteration is located in the myosin head domain, which contains a statistically significant clustering of pathogenic missense variants (Homburger JR et al. Proc Natl Acad Sci U S A, 2016 06;113:6701-6; Walsh R et al. Genet Med, 2017 02;19:192-203; Ambry internal data). This alteration has been reported in numerous individual from hypertrophic cardiomyopathy (HCM) cohorts and cohorts referred for HCM genetic testing (Waldm&uuml;ller S et al. Clin. Chem., 2008 Apr;54:682-7; Berge KE et al. Clin. Genet., 2014 Oct;86:355-60; Lopes LR et al. Heart, 2015 Feb;101:294-301; J&auml;&auml;skel&auml;inen P et al. ESC Heart Fail. 2019 Apr;6(2):436-445; Marschall C et al. Cardiovasc Diagn Ther. 2019 Oct;9(Suppl 2):S292-S298; Hathaway J et al. BMC Cardiovasc Disord. 2021 03;21(1):126; Phan PD et al. JRSM Cardiovasc Dis. 2024 Jan;13:20480040231220100; Ambry internal data). This variant has also been reported in a subject with restrictive cardiomyopathy whose son had HCM with restrictive features (Kostareva A et al. PLoS ONE., 2016 Sep;11(9):e0163362). This amino acid position is not well conserved in available vertebrate species. In addition, the in silico prediction for this alteration is inconclusive. Based on the majority of available evidence to date, this variant is likely to be pathogenic.

All of Us Research Program, National Institutes of Health
Classification: Likely pathogenic for Hypertrophic cardiomyopathy. Last evaluated: 2024-06-09. Review status: criteria provided, single submitter. Criteria: ACMG Guidelines, 2015. Collection method: clinical testing. Allele origin: germline. Inheritance: Autosomal dominant inheritance. Observed: 4 variant alleles, 4 heterozygotes.
Comment: This missense variant replaces arginine with histidine at codon 783 of the myosin head/motor (S1) domain of the MYH7 protein. This variant is found within a highly conserved region of the myosin head domain. Missense variants in this region have been shown to be significantly overrepresented in individuals with hypertrophic cardiomyopathy (PMID: 27532257). Computational prediction is inconclusive regarding the impact of this variant on protein structure and function (internally defined REVEL score threshold 0.5 < inconclusive < 0.7, PMID: 27666373). To our knowledge, functional studies have not been reported for this variant. This variant has been reported in more than 10 unrelated individuals affected with hypertrophic cardiomyopathy (PMID: 18258667, 24111713, 27662471, 27532257, 30775854), and in 3 individuals suspected to be affected with hypertrophic cardiomyopathy (PMID: 33673806). It has also been reported in an individual affected with primary fibrotic atrial cardiomyopathy (PMID: 35063694), in a case of stillbirth (PMID: 30615648), and in an individual affected with sudden unexplained death (PMID: 29915097). A different variant affecting the same codon, p.Arg783Pro, is considered to be disease-causing (ClinVar variation ID: 42895), suggesting that arginine at this position is important for MYH7 protein function. This variant has been identified in 6/282860 chromosomes in the general population by the Genome Aggregation Database (gnomAD). Based on the available evidence, this variant is classified as Likely Pathogenic.

This study involves interpretation of variants in research participants for the purpose of population health screening. Participant phenotype was not available at the time of variant classification. Additional details can be found in publication PMID: 35346344, PMCID: PMC8962531

Color Diagnostics, LLC DBA Color Health
Classification: Likely pathogenic for Cardiomyopathy. Last evaluated: 2024-04-02. Review status: criteria provided, single submitter. Criteria: ACMG Guidelines, 2015. Collection method: clinical testing. Allele origin: germline.
Comment: This missense variant replaces arginine with histidine at codon 783 of the myosin head/motor (S1) domain of the MYH7 protein. This variant is found within a highly conserved region of the myosin head domain. Missense variants in this region have been shown to be significantly overrepresented in individuals with hypertrophic cardiomyopathy (PMID: 27532257). Computational prediction tools indicate that this variant's impact on protein structure and function is inconclusive. To our knowledge, functional studies have not been reported for this variant. This variant has been reported in more than 15 unrelated individuals affected with hypertrophic cardiomyopathy (PMID: 18258667, 24111713, 27662471, 27532257, 30775854, 33673806, 38186735). It has also been reported in one individual affected with primary fibrotic atrial cardiomyopathy (PMID: 35063694), in one case of stillbirth (PMID: 30615648), and in one individual affected with sudden unexplained death (PMID: 29915097). A different variant affecting the same codon, p.Arg783Pro, is considered to be disease-causing (ClinVar variation ID: 42895), suggesting that arginine at this position is important for MYH7 protein function. This variant has been identified in 6/282860 chromosomes in the general population by the Genome Aggregation Database (gnomAD). Based on the available evidence, this variant is classified as Likely Pathogenic.

Clinical Genetics Laboratory, Skane University Hospital Lund
Classification: Likely pathogenic. Last evaluated: 2024-03-11. Review status: criteria provided, single submitter. Criteria: ACMG Guidelines, 2015. Collection method: clinical testing. Allele origin: germline. Affected: yes.

Blueprint Genetics
Classification: Likely pathogenic for MYH7-related disorders. Last evaluated: 2024-02-29. Review status: criteria provided, single submitter. Criteria: ACMG Guidelines, 2015. Collection method: clinical testing. Allele origin: germline. Affected: yes. Observed: 5 variant alleles.

CeGaT Center for Human Genetics Tuebingen
Classification: Likely pathogenic. Last evaluated: 2023-09-01. Review status: criteria provided, single submitter. Criteria: CeGaT Center For Human Genetics Tuebingen Variant Classification Criteria Version 2. Collection method: clinical testing. Allele origin: germline. Affected: yes. Observed: 5 variant alleles.
Comment: MYH7: PM1, PM2, PS4:Moderate

Revvity Omics, Revvity
Classification: Uncertain significance. Last evaluated: 2023-03-08. Review status: criteria provided, single submitter. Criteria: ACMG Guidelines, 2015. Collection method: clinical testing. Allele origin: germline.

Victorian Clinical Genetics Services, Murdoch Childrens Research Institute
Classification: Likely pathogenic for Hypertrophic cardiomyopathy 1. Last evaluated: 2022-02-02. Review status: criteria provided, single submitter. Criteria: ACMG Guidelines, 2015. Collection method: clinical testing. Allele origin: germline. Inheritance: Autosomal dominant inheritance. Affected: yes.
Comment: Based on the classification scheme VCGS_Germline_v1.3.4, this variant is classified as Likely pathogenic. Following criteria are met: 0105 - The mechanism of disease for this gene is not clearly established, however, missense variants have been proposed to act in a dominant negative manner (PMID: 24714796). (I) 0108 - This gene is associated with both recessive and dominant disease. Pathogenic variants in this gene are usually heterozygous, however a recessive inheritance pattern has been observed in severe cases (OMIM). (I) 0112 - The condition associated with this gene has incomplete penetrance (PMID: 29300372). (I) 0200 - Variant is predicted to result in a missense amino acid change from arginine to histidine. (I) 0251 - This variant is heterozygous. (I) 0302 - Variant is present in gnomAD (v2) <0.001 for a dominant condition (6 heterozygotes, 0 homozygotes). (SP) 0309 - Two alternative amino acid changes at the same position have been observed in gnomAD (v2) (highest allele count: 2 heterozygotes, 0 homozygotes). (I) 0502 - Missense variant with conflicting in silico predictions and uninformative conservation. (I) 0602 - Variant is located in a hotspot region or cluster of pathogenic variants. This variant is found within the head region, which is enriched with pathogenic missense variants (PMID: 29300372). (SP) 0705 - No comparable missense variants have previous evidence for pathogenicity. Several alternative changes at this amino acids have been reported in ClinVar, however none of them meet our criteria to be considered as comparables. (I) 0801 - This variant has strong previous evidence of pathogenicity in unrelated individuals. This variant has been reported in multiple individuals with hypertrophic cardiomyopathy (ClinVar, PMID: 18258667, 23396983, 24111713, 27532257, 29915097). It has also been reported as VUS in ClinVar and in a case of still birth (PMID: 30615648). (SP) 0905 - No published segregation evidence has been identified for this variant. (I) 1007 - No published functional evidence has been identified for this variant. (I) 1208 - Inheritance information for this variant is not currently available in this individual. (I) Legend: (SP) - Supporting pathogenic, (I) - Information, (SB) - Supporting benign

3billion
Classification: Pathogenic for Hypertrophic cardiomyopathy 1. Last evaluated: 2022-01-03. Review status: criteria provided, single submitter. Criteria: ACMG Guidelines, 2015. Collection method: clinical testing. Allele origin: germline. Affected: yes. Observed: 1 heterozygote.
Comment: Same nucleotide change resulting in same amino acid change has been previously reported as pathogenic/likely pathogenic with strong evidence (ClinVar ID: VCV000180437, PMID:18258667, PS1_S). A different missense change at the same codon (p.Arg783Pro, p.Arg783Gly) has been reported as pathogenic/likely pathogenic with strong evidence (ClinVar ID: VCV000042895,VCV000164335, PMID:21211974, PMID:27247418, PM5_M). The variant is located in a well-established functional domain or exonic hotspot, where pathogenic variants have frequently reported (PM1_M). It is observed at an extremely low frequency in the gnomAD v2.1.1 dataset (total allele frequency: 0.000021, PM2_M). Therefore, this variant is classified as pathogenic according to the recommendation of ACMG/AMP guideline.

AiLife Diagnostics
Classification: Uncertain significance. Last evaluated: 2021-07-29. Review status: criteria provided, single submitter. Criteria: ACMG Guidelines, 2015. Collection method: clinical testing. Allele origin: germline. Affected: yes. Observed: 2 variant alleles.